The following is an entry in ClinVar:

ClinVar aggregate classification (germline): Uncertain significance (1 of 4 stars; one submission).

Conditions:
Hereditary cancer-predisposing syndrome. Also called: Neoplastic Syndromes, Hereditary; Tumor predisposition; Hereditary neoplastic syndrome; Hereditary Cancer Syndrome. Identifiers: Orphanet 140162, MedGen C0027672, MeSH D009386, MONDO:0015356.

gnomAD v4.1: 1 of 1,614,108 alleles (0.000062%); highest among the groups gnomAD compares: Non-Finnish European, 0.000085%; no homozygotes.

Submission:

Ambry Genetics
Classification: Uncertain significance for Hereditary cancer-predisposing syndrome. Last evaluated: 2026-09-01. Review status: criteria provided, single submitter. Criteria: Ambry Variant Classification Scheme 2023. Collection method: clinical testing. Allele origin: germline.
Comment: The p.E1712K variant (also known as c.5134G>A), located in coding exon 15 of the APC gene, results from a G to A substitution at nucleotide position 5134. The glutamic acid at codon 1712 is replaced by lysine, an amino acid with similar properties. This amino acid position is not well conserved in available vertebrate species. Missense variants in APC are not a common cause of disease (Spier I et al. Genet Med. 2024 Feb;26(2):100992). Based on the available evidence, the clinical significance of this variant remains unclear.

NM_000038.6(APC):c.5134G>A (p.Glu1712Lys)

Gene: APC (APC regulator of Wnt signaling pathway; plus strand). Cytogenetic location: 5q22.2.
Variant type: single nucleotide variant.
Coding change: c.5134G>A on transcript NM_000038.6 (MANE Select); coding-DNA position 5134, G replaced by A.
Protein change: p.Glu1712Lys; replaces glutamic acid 1712 with lysine.
Molecular consequence: missense variant. On other transcripts: non-coding transcript variant (2).
Genome position (GRCh38, 1-based): chr5:112,840,728, G>A. VCF-style: chr5-112840728-G-A. GRCh37 (hg19) VCF-style: chr5-112176425-G-A.
Other names: c.5134G>A, p.Glu1712Lys (NM_001127510.3, NM_001354895.2, NM_001407450.1); c.5080G>A, p.Glu1694Lys (NM_001127511.3); c.5188G>A, p.Glu1730Lys (NM_001354896.2, NM_001407447.1, NM_001407448.1 and 1 more transcripts); c.5164G>A, p.Glu1722Lys (NM_001354897.2); c.5059G>A, p.Glu1687Lys (NM_001354898.2); c.5050G>A, p.Glu1684Lys (NM_001354899.2); c.5011G>A, p.Glu1671Lys (NM_001354900.2); c.4957G>A, p.Glu1653Lys (NM_001354901.2, NM_001407453.1); and 11 more; short protein forms E1429K, E1552K, E1586K, E1629K, E1705K, E1740K, E1328K, E1653K.
Identifiers: ClinVar variation 5025915 (VCV005025915.1).